The following is an entry in ClinVar:

NM_005045.4(RELN):c.7114G>A (p.Val2372Met)

Gene: RELN (reelin; minus strand). Cytogenetic location: 7q22.1.
Variant type: single nucleotide variant.
Coding change: c.7114G>A on transcript NM_005045.4 (MANE Select); coding-DNA position 7114, G replaced by A.
Protein change: p.Val2372Met; replaces valine 2372 with methionine.
Molecular consequence: missense variant.
Genome position (GRCh38, 1-based): chr7:103,539,144, C>T on the plus strand (G>A on the coding strand, the complement: RELN is on the minus strand). VCF-style: chr7-103539144-C-T. GRCh37 (hg19) VCF-style: chr7-103179591-C-T.
Other names: c.7114G>A, p.Val2372Met (NM_173054.3); short protein forms V2372M.
Identifiers: ClinVar variation 130140 (VCV000130140.67), dbSNP rs114344654, ClinGen allele CA205042.

ClinVar aggregate classification (germline): Conflicting classifications of pathogenicity. Review status: criteria provided, conflicting classifications (1 of 4 stars). 7 submissions from 7 submitters: Uncertain significance (4); Benign (2); Likely benign (1). Last evaluated 2026-01-07.

Conditions:
Norman-Roberts syndrome (LIS2). Also called: Lissencephaly 2 (Norman-Roberts type). Identifiers: Orphanet 89844, MedGen C0796089, MONDO:0009760, OMIM 257320.
Familial temporal lobe epilepsy 7. Identifiers: Orphanet 101046, MedGen C4225327, MONDO:0014639, OMIM 616436.

Allele frequency attached by ClinVar (database versions not stated): ExAC 0.00018; gnomAD exomes 0.00021 and 0.00022; ESP Exome Variant Server 0.00038; TOPMed 0.00038; 1000 Genomes Project 0.00040; gnomAD 0.00044 and 0.00046; 1000 Genomes Project 30x 0.00062.
gnomAD v4.1: 385 of 1,614,198 alleles (0.024%); highest among the groups gnomAD compares: Middle Eastern, 0.28%; 2 homozygotes.

Submissions (7):

Labcorp Genetics (formerly Invitae), Labcorp
Classification: Benign for Familial temporal lobe epilepsy 7; Norman-Roberts syndrome. Last evaluated: 2026-01-07. Review status: criteria provided, single submitter. Criteria: Invitae Variant Classification Sherloc (09022015). Collection method: clinical testing. Allele origin: germline.

Blueprint Genetics
Classification: Uncertain significance. Last evaluated: 2024-11-05. Review status: criteria provided, single submitter. Criteria: ACMG Guidelines, 2015. Collection method: clinical testing. Allele origin: germline.

GeneDx
Classification: Likely benign. Last evaluated: 2020-03-04. Review status: criteria provided, single submitter. Criteria: GeneDx Variant Classification Process June 2021. Collection method: clinical testing. Allele origin: germline. Affected: yes.
Comment: This variant is associated with the following publications: (PMID: 26459092, 31623367)

Illumina Laboratory Services, Illumina
Classification: Uncertain significance for Norman-Roberts syndrome. Last evaluated: 2017-04-27. Review status: criteria provided, single submitter. Criteria: ICSL Variant Classification Criteria 13 December 2019. Collection method: clinical testing. Allele origin: germline.
Comment: This variant was observed as part of a predisposition screen in an ostensibly healthy population. A literature search was performed for the gene, cDNA change, and amino acid change (where applicable). Publications were found based on this search. However, the evidence from the literature, in combination with allele frequency data from public databases where available, was not sufficient to rule this variant in or out of causing disease. Therefore, this variant is classified as a variant of unknown significance.

CeGaT Center for Human Genetics Tuebingen
Classification: Uncertain significance. Last evaluated: 2016-11-01. Review status: criteria provided, single submitter. Criteria: CeGaT Center For Human Genetics Tuebingen Variant Classification Criteria Version 2. Collection method: clinical testing. Allele origin: germline. Affected: yes. Observed: 1 variant allele.

Genetic Services Laboratory, University of Chicago
Classification: Benign. Last evaluated: 2014-07-21. Review status: criteria provided, single submitter. Criteria: ACMG Guidelines, 2015. Collection method: clinical testing. Allele origin: germline.

Eurofins Ntd Llc (ga)
Classification: Uncertain significance. Last evaluated: 2014-05-28. Review status: criteria provided, single submitter. Criteria: EGL Classification Definitions 2015. Collection method: clinical testing. Allele origin: germline. Observed: 2 variant alleles, 2 heterozygotes.

Literature cited by the submitters: PubMed 26459092 (cited by Illumina Laboratory Services, Illumina).